The following is an entry in ClinVar:

ClinVar aggregate classification (germline): Uncertain significance. Review status: criteria provided, multiple submitters, no conflicts (2 of 4 stars). 3 submissions from 3 submitters: Uncertain significance (3). Last evaluated 2026-03-09.

Conditions:
Cardiovascular phenotype. Identifiers: MedGen CN230736.
Progressive familial heart block type IB (PFHB1B). Identifiers: Orphanet 871, MedGen C1970298, MONDO:0011474, OMIM 604559.

Submissions (3):

Ambry Genetics
Classification: Uncertain significance for Cardiovascular phenotype. Last evaluated: 2026-03-09. Review status: criteria provided, single submitter. Criteria: Ambry Variant Classification Scheme 2023. Collection method: clinical testing. Allele origin: germline.
Comment: The p.V221F variant (also known as c.661G>T), located in coding exon 6 of the TRPM4 gene, results from a G to T substitution at nucleotide position 661. The valine at codon 221 is replaced by phenylalanine, an amino acid with highly similar properties. This amino acid position is conserved. In addition, this alteration is predicted to be tolerated by in silico analysis. Based on the available evidence, the clinical significance of this variant remains unclear.

Labcorp Genetics (formerly Invitae), Labcorp
Classification: Uncertain significance for Progressive familial heart block type IB. Last evaluated: 2025-08-18. Review status: criteria provided, single submitter. Criteria: Invitae Variant Classification Sherloc (09022015). Collection method: clinical testing. Allele origin: germline.
Comment: This sequence change replaces valine, which is neutral and non-polar, with phenylalanine, which is neutral and non-polar, at codon 221 of the TRPM4 protein (p.Val221Phe). This variant is not present in population databases (gnomAD no frequency). This variant has not been reported in the literature in individuals affected with TRPM4-related conditions. ClinVar contains an entry for this variant (Variation ID: 3902656). An algorithm developed to predict the effect of missense changes on protein structure and function (PolyPhen-2) suggests that this variant is likely to be tolerated. In summary, the available evidence is currently insufficient to determine the role of this variant in disease. Therefore, it has been classified as a Variant of Uncertain Significance.

Women's Health and Genetics/Laboratory Corporation of America, LabCorp
Classification: Uncertain significance. Last evaluated: 2025-05-30. Review status: criteria provided, single submitter. Criteria: LabCorp Variant Classification Summary - May 2015. Collection method: clinical testing. Allele origin: germline.

NM_017636.4(TRPM4):c.661G>T (p.Val221Phe)

Gene: TRPM4 (transient receptor potential cation channel subfamily M member 4; plus strand). Cytogenetic location: 19q13.33.
Variant type: single nucleotide variant.
Coding change: c.661G>T on transcript NM_017636.4 (MANE Select); coding-DNA position 661, G replaced by T.
Protein change: p.Val221Phe; replaces valine 221 with phenylalanine.
Molecular consequence: missense variant. On other transcripts: 5 prime UTR variant (2).
Genome position (GRCh38, 1-based): chr19:49,168,601, G>T. VCF-style: chr19-49168601-G-T. GRCh37 (hg19) VCF-style: chr19-49671858-G-T.
Other names: c.661G>T, p.Val221Phe (NM_001195227.2); c.316G>T, p.Val106Phe (NM_001321281.2); c.-893G>T (NM_001321282.2); c.139G>T, p.Val47Phe (NM_001321283.2); c.-189G>T (NM_001321285.2); c.661G>T (NM_017636.3); short protein forms V106F, V221F, V47F.
Identifiers: ClinVar variation 3902656 (VCV003902656.3).
Genomic context (GRCh38, chr19:49,168,601, plus strand): 5'-TTTTTCCCCTAGGGCTCGTTCCCTGCGAGGTACCGGTGGCGCGGTGACCCGGAGGACGGG[G>T]TCCAGTTTCCCCTGGACTACAACTACTCGGCCTTCTTCCTGGTGGACGACGGCACACACG-3'
Protein context (NP_060106.2, residues 211-231): YRWRGDPEDG[Val221Phe]QFPLDYNYSA